The following is an entry in ClinVar:

NM_014363.6(SACS):c.8936A>G (p.Lys2979Arg)

Gene: SACS (sacsin molecular chaperone; minus strand). Cytogenetic location: 13q12.12.
Variant type: single nucleotide variant.
Coding change: c.8936A>G on transcript NM_014363.6 (MANE Select); coding-DNA position 8936, A replaced by G.
Protein change: p.Lys2979Arg; replaces lysine 2979 with arginine.
Molecular consequence: missense variant.
Genome position (GRCh38, 1-based): chr13:23,334,940, T>C on the plus strand (A>G on the coding strand, the complement: SACS is on the minus strand). VCF-style: chr13-23334940-T-C. GRCh37 (hg19) VCF-style: chr13-23909079-T-C.
Other names: p.Lys2979Arg; c.8936A>G (NM_014363.4); c.8495A>G, p.Lys2832Arg (NM_001278055.2); short protein forms K2832R, K2979R.
Identifiers: ClinVar variation 3380137 (VCV003380137.3).
Genomic context (GRCh38, chr13:23,334,940, plus strand): 5'-GGAGCCCGCACAACAGGTAAAAGACGTTTCATGTCTTCGTGAATGCAATTGTAAAGTGCT[T>C]TCACTAGACAATATAAATCTGGCTGTAGATCAAGACGGTTAACTGGGAAAAACGATAAAA-3'
Protein context (NP_055178.3, residues 2969-2989): DLQPDLYCLV[Lys2979Arg]ALYNCIHEDM

ClinVar aggregate classification (germline): Uncertain significance. Review status: criteria provided, multiple submitters, no conflicts (2 of 4 stars). 3 submissions from 3 submitters: Uncertain significance (3). Last evaluated 2024-07-02.

gnomAD v4.1: 16 of 1,613,800 alleles (0.00099%); highest among the groups gnomAD compares: Non-Finnish European, 0.0012%; no homozygotes.

Submissions (3):

Mayo Clinic Laboratories, Mayo Clinic
Classification: Uncertain significance. Last evaluated: 2024-07-02. Review status: criteria provided, single submitter. Criteria: ACMG Guidelines, 2015. Collection method: clinical testing. Allele origin: germline. Observed: 1 variant allele.
Comment: PM2

Athena Diagnostics
Classification: Uncertain significance. Last evaluated: 2024-02-02. Review status: criteria provided, single submitter. Criteria: Athena Diagnostics Criteria. Collection method: clinical testing. Allele origin: unknown.
Comment: Available data are insufficient to determine the clinical significance of the variant at this time. The frequency of this variant in the general population is uninformative in assessment of its pathogenicity. Computational tools disagree on the variant's effect on normal protein function.

Blueprint Genetics
Classification: Uncertain significance. Last evaluated: 2023-06-01. Review status: criteria provided, single submitter. Criteria: ACMG Guidelines, 2015. Collection method: clinical testing. Allele origin: germline.